The following is an entry in ClinVar:

NM_000383.4(AIRE):c.1303G>A (p.Gly435Arg)

Gene: AIRE (autoimmune regulator; plus strand). Cytogenetic location: 21q22.3.
Variant type: single nucleotide variant.
Coding change: c.1303G>A on transcript NM_000383.4 (MANE Select); coding-DNA position 1303, G replaced by A.
Protein change: p.Gly435Arg; replaces glycine 435 with arginine.
Molecular consequence: missense variant.
Genome position (GRCh38, 1-based): chr21:44,293,813, G>A. VCF-style: chr21-44293813-G-A. GRCh37 (hg19) VCF-style: chr21-45713696-G-A.
Other names: short protein forms G435R.
Identifiers: ClinVar variation 528307 (VCV000528307.13), dbSNP rs373993732, ClinGen allele CA10052051.
Genomic context (GRCh38, chr21:44,293,813, plus strand): 5'-GCCCCCCGCGTCACCCCGCGCTGTTGCCTCCCACAGAACCTGGCTCCTGGTGCGCGTTGC[G>A]GGGTGTGCGGAGATGGTACGGACGTGCTGCGGTGTACTCACTGCGCCGCTGCCTTCCACT-3'
Protein context (NP_000374.1, residues 425-445): QQNLAPGARC[Gly435Arg]VCGDGTDVLR

ClinVar aggregate classification (germline): Conflicting classifications of pathogenicity. Review status: criteria provided, conflicting classifications (1 of 4 stars). 5 submissions from 5 submitters: Uncertain significance (3); Likely benign (1). 1 of the submissions does not count toward it. Last evaluated 2026-01-26.

Conditions:
Polyglandular autoimmune syndrome, type 1 (APS1). Also called: Autoimmune polyendocrinopathy syndrome, type I; HYPOADRENOCORTICISM WITH HYPOPARATHYROIDISM AND SUPERFICIAL MONILIASIS; Autoimmune polyendocrinopathy syndrome , type I, with or without reversible metaphyseal dysplasia; AUTOIMMUNE POLYENDOCRINE SYNDROME, TYPE I, WITH OR WITHOUT REVERSIBLE METAPHYSEAL DYSPLASIA; APS I; Autoimmune polyendocrine syndrome type 1. Identifiers: Orphanet 3453, MedGen C0085859, MONDO:0009411, OMIM 240300.

Allele frequency attached by ClinVar (database versions not stated): ExAC 0.00009; 1000 Genomes Project 30x 0.00016; 1000 Genomes Project 0.00020; gnomAD 0.00030 and 0.00031; TOPMed 0.00034; ESP Exome Variant Server 0.00038.
gnomAD v4.1: 119 of 1,596,698 alleles (0.0075%); highest among the groups gnomAD compares: African/African-American, 0.11%; no homozygotes.

Submissions (5):

Labcorp Genetics (formerly Invitae), Labcorp
Classification: Likely benign for Polyglandular autoimmune syndrome, type 1. Last evaluated: 2026-01-26. Review status: criteria provided, single submitter. Criteria: Invitae Variant Classification Sherloc (09022015). Collection method: clinical testing. Allele origin: germline.

Greenwood Genetic Center Diagnostic Laboratories, Greenwood Genetic Center
Classification: Uncertain significance. Last evaluated: 2024-05-15. Review status: criteria provided, single submitter. Criteria: ACMG Guidelines, 2015. Collection method: clinical testing. Allele origin: germline. Affected: yes.
Comment: PM2

Blueprint Genetics
Classification: Uncertain significance. Last evaluated: 2022-04-28. Review status: criteria provided, single submitter. Criteria: ACMG Guidelines, 2015. Collection method: clinical testing. Allele origin: germline.

Breakthrough Genomics
Classification: Uncertain significance. Review status: criteria provided, single submitter. Criteria: ACMG Guidelines, 2015. Collection method: not provided. Allele origin: germline. Inheritance: Autosomal dominant inheritance. Affected: yes.

Natera, Inc.
Classification: Uncertain significance for Polyglandular autoimmune syndrome type 1. Last evaluated: 2019-10-28. Review status: no assertion criteria provided. Collection method: clinical testing. Allele origin: germline. Not counted in ClinVar's aggregate classification.